The following is an entry in ClinVar:

ClinVar aggregate classification (germline): Uncertain significance (1 of 4 stars; one submission).

Submission:

Ambry Genetics
Classification: Uncertain significance. Last evaluated: 2024-11-05. Review status: criteria provided, single submitter. Criteria: Ambry Variant Classification Scheme 2023. Collection method: clinical testing. Allele origin: germline.
Comment: The p.L1349P variant (also known as c.4046T>C), located in coding exon 16 of the POLQ gene, results from a T to C substitution at nucleotide position 4046. The leucine at codon 1349 is replaced by proline, an amino acid with similar properties. This amino acid position is conserved. In addition, the in silico prediction for this alteration is inconclusive. Based on the available evidence, the clinical significance of this variant remains unclear.

NM_199420.4(POLQ):c.4046T>C (p.Leu1349Pro)

Gene: POLQ (DNA polymerase theta; minus strand). Cytogenetic location: 3q13.33.
Variant type: single nucleotide variant.
Coding change: c.4046T>C on transcript NM_199420.4 (MANE Select); coding-DNA position 4046, T replaced by C.
Protein change: p.Leu1349Pro; replaces leucine 1349 with proline.
Molecular consequence: missense variant.
Genome position (GRCh38, 1-based): chr3:121,488,885, A>G on the plus strand (T>C on the coding strand, the complement: POLQ is on the minus strand). VCF-style: chr3-121488885-A-G. GRCh37 (hg19) VCF-style: chr3-121207732-A-G.
Other names: short protein forms L1349P.
Identifiers: ClinVar variation 3422647 (VCV003422647.1).